The following is an entry in ClinVar:

NM_001367916.1(MAGT1):c.948G>A (p.Trp316Ter)

Gene: MAGT1 (magnesium transporter 1; minus strand). Cytogenetic location: Xq21.1.
Variant type: single nucleotide variant.
Coding change: c.948G>A on transcript NM_001367916.1 (MANE Select); coding-DNA position 948, G replaced by A.
Protein change: p.Trp316Ter; replaces tryptophan 316 with a stop codon.
Molecular consequence: nonsense.
Genome position (GRCh38, 1-based): chrX:77,830,849, C>T on the plus strand (G>A on the coding strand, the complement: MAGT1 is on the minus strand). VCF-style: chrX-77830849-C-T. GRCh37 (hg19) VCF-style: chrX-77086346-C-T.
Other names: c.1044G>A, p.Trp348Ter (NM_032121.5); short protein forms W316*, W348*.
Identifiers: ClinVar variation 976322 (VCV000976322.1), dbSNP rs2076895533, ClinGen allele CA413709966.

ClinVar aggregate classification (germline): Pathogenic (1 of 4 stars; one submission).

Conditions:
X-linked immunodeficiency with magnesium defect, Epstein-Barr virus infection and neoplasia. Identifiers: Orphanet 317476, MedGen C3275445, MONDO:0010455, OMIM 300853.

Submission:

Institute of Human Genetics, University of Leipzig Medical Center
Classification: Pathogenic for X-linked immunodeficiency with magnesium defect, Epstein-Barr virus infection and neoplasia. Last evaluated: 2019-08-06. Review status: criteria provided, single submitter. Criteria: ACMG Guidelines, 2015. Collection method: clinical testing. Allele origin: germline. Affected: yes. Observed: 1 variant allele.
Comment: This variant was identified as hemizygous